The following is an entry in ClinVar:

NM_000760.4(CSF3R):c.40C>G (p.Leu14Val)

Gene: CSF3R (colony stimulating factor 3 receptor; minus strand). Cytogenetic location: 1p34.3.
Variant type: single nucleotide variant.
Coding change: c.40C>G on transcript NM_000760.4 (MANE Select); coding-DNA position 40, C replaced by G.
Protein change: p.Leu14Val; replaces leucine 14 with valine.
Molecular consequence: missense variant.
Genome position (GRCh38, 1-based): chr1:36,479,457, G>C on the plus strand (C>G on the coding strand, the complement: CSF3R is on the minus strand). VCF-style: chr1-36479457-G-C. GRCh37 (hg19) VCF-style: chr1-36945058-G-C.
Other names: c.40C>G, p.Leu14Val (NM_156039.3, NM_172313.3); short protein forms L14V.
Identifiers: ClinVar variation 1336549 (VCV001336549.7), dbSNP rs752051152, ClinGen allele CA769600.

ClinVar aggregate classification (germline): Uncertain significance. Review status: criteria provided, multiple submitters, no conflicts (2 of 4 stars). 2 submissions from 2 submitters: Uncertain significance (2). Last evaluated 2025-07-20.

Conditions:
Autosomal recessive severe congenital neutropenia due to CSF3R deficiency. Also called: Neutropenia, severe congenital, 7, autosomal recessive. Identifiers: Orphanet 420702, MedGen C4310764, MONDO:0014865, OMIM 617014.

Allele frequency attached by ClinVar (database versions not stated): gnomAD 0.00001; gnomAD exomes 0.00001 and 0.00002; TOPMed 0.00001; ExAC 0.00001.

Submissions (2):

Labcorp Genetics (formerly Invitae), Labcorp
Classification: Uncertain significance for Autosomal recessive severe congenital neutropenia due to CSF3R deficiency. Last evaluated: 2025-07-20. Review status: criteria provided, single submitter. Criteria: Invitae Variant Classification Sherloc (09022015). Collection method: clinical testing. Allele origin: germline.
Comment: This sequence change replaces leucine, which is neutral and non-polar, with valine, which is neutral and non-polar, at codon 14 of the CSF3R protein (p.Leu14Val). This variant is present in population databases (rs752051152, gnomAD 0.006%). This variant has not been reported in the literature in individuals affected with CSF3R-related conditions. ClinVar contains an entry for this variant (Variation ID: 1336549). An algorithm developed to predict the effect of missense changes on protein structure and function outputs the following: PolyPhen-2: "Benign". The valine amino acid residue is found in multiple mammalian species, which suggests that this missense change does not adversely affect protein function. In summary, the available evidence is currently insufficient to determine the role of this variant in disease. Therefore, it has been classified as a Variant of Uncertain Significance.

Genetic Services Laboratory, University of Chicago
Classification: Uncertain significance. Last evaluated: 2018-03-22. Review status: criteria provided, single submitter. Criteria: ACMG Guidelines, 2015. Collection method: clinical testing. Allele origin: germline. Affected: no.